The following is an entry in ClinVar:

NM_001377.3(DYNC2H1):c.8719G>A (p.Ala2907Thr)

Gene: DYNC2H1 (dynein cytoplasmic 2 heavy chain 1; plus strand). Cytogenetic location: 11q22.3.
Variant type: single nucleotide variant.
Coding change: c.8719G>A on transcript NM_001377.3 (MANE Select); coding-DNA position 8719, G replaced by A.
Protein change: p.Ala2907Thr; replaces alanine 2907 with threonine.
Molecular consequence: missense variant.
Genome position (GRCh38, 1-based): chr11:103,215,745, G>A. VCF-style: chr11-103215745-G-A. GRCh37 (hg19) VCF-style: chr11-103086474-G-A.
Other names: c.8719G>A, p.Ala2907Thr (NM_001080463.2); short protein forms A2907T.
Identifiers: ClinVar variation 1409011 (VCV001409011.7), dbSNP rs1863353530, ClinGen allele CA382261232.
Genomic context (GRCh38, chr11:103,215,745, plus strand): 5'-TTTAAAATATTGCCGATCAATATTTTATTGATGTAGGCTGGTGTATCTAAACTAAATGAA[G>A]CTAAAGCTCTTGTGGATGAACTGAACAGAAAAGCTGGAGAACAAAGTGTGTTACTTAAAA-3'
Protein context (NP_001368.2, residues 2897-2917): LQAGVSKLNE[Ala2907Thr]KALVDELNRK

ClinVar aggregate classification (germline): Uncertain significance. Review status: criteria provided, multiple submitters, no conflicts (2 of 4 stars). 2 submissions from 2 submitters: Uncertain significance (2). Last evaluated 2024-10-25.

Conditions:
Jeune thoracic dystrophy. Also called: Short-rib thoracic dysplasia; Jeune syndrome; Infantile thoracic dystrophy; Thoracic pelvic phalangeal dystrophy; Jeune's syndrome; Chondroectodermal dysplasia-like syndrome. Identifiers: Orphanet 474, MedGen C0265275, MONDO:0018770.

Allele frequency attached by ClinVar (database versions not stated): gnomAD 0.00001; gnomAD exomes 0.00001.
gnomAD v4.1: 12 of 1,609,954 alleles (0.00075%); highest among the groups gnomAD compares: African/African-American, 0.0013%; no homozygotes.

Submissions (2):

Labcorp Genetics (formerly Invitae), Labcorp
Classification: Uncertain significance for Jeune thoracic dystrophy. Last evaluated: 2024-10-25. Review status: criteria provided, single submitter. Criteria: Invitae Variant Classification Sherloc (09022015). Collection method: clinical testing. Allele origin: germline.
Comment: This sequence change replaces alanine, which is neutral and non-polar, with threonine, which is neutral and polar, at codon 2907 of the DYNC2H1 protein (p.Ala2907Thr). This variant is not present in population databases (gnomAD no frequency). This variant has not been reported in the literature in individuals affected with DYNC2H1-related conditions. ClinVar contains an entry for this variant (Variation ID: 1409011). Invitae Evidence Modeling of protein sequence and biophysical properties (such as structural, functional, and spatial information, amino acid conservation, physicochemical variation, residue mobility, and thermodynamic stability) indicates that this missense variant is expected to disrupt DYNC2H1 protein function with a positive predictive value of 95%. In summary, the available evidence is currently insufficient to determine the role of this variant in disease. Therefore, it has been classified as a Variant of Uncertain Significance.

Blueprint Genetics
Classification: Uncertain significance. Last evaluated: 2023-08-30. Review status: criteria provided, single submitter. Criteria: ACMG Guidelines, 2015. Collection method: clinical testing. Allele origin: germline.